The following is an entry in ClinVar:

NM_003849.4(SUCLG1):c.563G>C (p.Gly188Ala)

Gene: SUCLG1 (succinate-CoA ligase GDP/ADP-forming subunit alpha; minus strand). Cytogenetic location: 2p11.2.
Variant type: single nucleotide variant.
Coding change: c.563G>C on transcript NM_003849.4 (MANE Select); coding-DNA position 563, G replaced by C.
Protein change: p.Gly188Ala; replaces glycine 188 with alanine.
Molecular consequence: missense variant.
Genome position (GRCh38, 1-based): chr2:84,441,073, C>G on the plus strand (G>C on the coding strand, the complement: SUCLG1 is on the minus strand). VCF-style: chr2-84441073-C-G. GRCh37 (hg19) VCF-style: chr2-84668197-C-G.
Other names: short protein forms G188A.
Identifiers: ClinVar variation 1990639 (VCV001990639.3), dbSNP rs1672764047, ClinGen allele CA347515465.

ClinVar aggregate classification (germline): Uncertain significance (1 of 4 stars; one submission).

Conditions:
Mitochondrial DNA depletion syndrome 9 (MTDPS9). Also called: SUCLG1-Related Mitochondrial DNA Depletion Syndrome, Encephalomyopathic Form with Methylmalonic Aciduria. Identifiers: Orphanet 17, MedGen C3151476, MONDO:0009504, OMIM 245400.

Allele frequency attached by ClinVar (database versions not stated): gnomAD exomes below 0.00001; TOPMed 0.00001.
gnomAD v4.1: 1 of 1,614,010 alleles (0.000062%); highest among the groups gnomAD compares: Non-Finnish European, 0.000085%; no homozygotes.

Submission:

Labcorp Genetics (formerly Invitae), Labcorp
Classification: Uncertain significance for Mitochondrial DNA depletion syndrome 9. Last evaluated: 2024-12-16. Review status: criteria provided, single submitter. Criteria: Invitae Variant Classification Sherloc (09022015). Collection method: clinical testing. Allele origin: germline.
Comment: This sequence change replaces glycine, which is neutral and non-polar, with alanine, which is neutral and non-polar, at codon 188 of the SUCLG1 protein (p.Gly188Ala). This variant is not present in population databases (gnomAD no frequency). This variant has not been reported in the literature in individuals affected with SUCLG1-related conditions. ClinVar contains an entry for this variant (Variation ID: 1990639). Invitae Evidence Modeling of protein sequence and biophysical properties (such as structural, functional, and spatial information, amino acid conservation, physicochemical variation, residue mobility, and thermodynamic stability) has been performed for this missense variant. However, the output from this modeling did not meet the statistical confidence thresholds required to predict the impact of this variant on SUCLG1 protein function. In summary, the available evidence is currently insufficient to determine the role of this variant in disease. Therefore, it has been classified as a Variant of Uncertain Significance.